The following is an entry in ClinVar:

NM_001297.5(CNGB1):c.1838C>T (p.Thr613Ile)

Gene: CNGB1 (cyclic nucleotide gated channel subunit beta 1; minus strand). Cytogenetic location: 16q21.
Variant type: single nucleotide variant.
Coding change: c.1838C>T on transcript NM_001297.5 (MANE Select); coding-DNA position 1838, C replaced by T.
Protein change: p.Thr613Ile; replaces threonine 613 with isoleucine.
Molecular consequence: missense variant.
Genome position (GRCh38, 1-based): chr16:57,919,218, G>A on the plus strand (C>T on the coding strand, the complement: CNGB1 is on the minus strand). VCF-style: chr16-57919218-G-A. GRCh37 (hg19) VCF-style: chr16-57953122-G-A.
Other names: c.1838C>T (NM_001297.4); c.1820C>T, p.Thr607Ile (NM_001286130.2); short protein forms T607I, T613I.
Identifiers: ClinVar variation 1912832 (VCV001912832.6), dbSNP rs748020693, ClinGen allele CA8083263.

ClinVar aggregate classification (germline): Uncertain significance. Review status: criteria provided, multiple submitters, no conflicts (2 of 4 stars). 3 submissions from 3 submitters: Uncertain significance (3). Last evaluated 2024-05-20.

Conditions:
Inborn genetic diseases. Identifiers: MedGen C0950123, MeSH D030342.

Allele frequency attached by ClinVar (database versions not stated): gnomAD exomes 0.00002; ExAC 0.00003.

Submissions (3):

Ambry Genetics
Classification: Uncertain significance for Inborn genetic diseases. Last evaluated: 2024-05-20. Review status: criteria provided, single submitter. Criteria: Ambry Variant Classification Scheme 2023. Collection method: clinical testing. Allele origin: germline.

Labcorp Genetics (formerly Invitae), Labcorp
Classification: Uncertain significance. Last evaluated: 2023-12-07. Review status: criteria provided, single submitter. Criteria: Invitae Variant Classification Sherloc (09022015). Collection method: clinical testing. Allele origin: germline.
Comment: This sequence change replaces threonine, which is neutral and polar, with isoleucine, which is neutral and non-polar, at codon 613 of the CNGB1 protein (p.Thr613Ile). This variant is present in population databases (rs748020693, gnomAD 0.03%). This variant has not been reported in the literature in individuals affected with CNGB1-related conditions. ClinVar contains an entry for this variant (Variation ID: 1912832). Advanced modeling of protein sequence and biophysical properties (such as structural, functional, and spatial information, amino acid conservation, physicochemical variation, residue mobility, and thermodynamic stability) performed at Invitae indicates that this missense variant is not expected to disrupt CNGB1 protein function with a negative predictive value of 80%. In summary, the available evidence is currently insufficient to determine the role of this variant in disease. Therefore, it has been classified as a Variant of Uncertain Significance.

Blueprint Genetics
Classification: Uncertain significance. Last evaluated: 2020-05-07. Review status: criteria provided, single submitter. Criteria: ACMG Guidelines, 2015. Collection method: clinical testing. Allele origin: germline.